The following is an entry in ClinVar:

NM_001363711.2(DUOX2):c.3382C>A (p.Arg1128Ser)

Gene: DUOX2 (dual oxidase 2; minus strand). Cytogenetic location: 15q21.1.
Variant type: single nucleotide variant.
Coding change: c.3382C>A on transcript NM_001363711.2 (MANE Select); coding-DNA position 3382, C replaced by A.
Protein change: p.Arg1128Ser; replaces arginine 1128 with serine.
Molecular consequence: missense variant.
Genome position (GRCh38, 1-based): chr15:45,099,695, G>T on the plus strand (C>A on the coding strand, the complement: DUOX2 is on the minus strand). VCF-style: chr15-45099695-G-T. GRCh37 (hg19) VCF-style: chr15-45391893-G-T.
Other names: c.3382C>A, p.Arg1128Ser (NM_014080.5); short protein forms R1128S.
Identifiers: ClinVar variation 1917458 (VCV001917458.2), dbSNP rs559663716, ClinGen allele CA392259863.
Genomic context (GRCh38, chr15:45,099,695, plus strand): 5'-AGAGGAAGAAGCCTGGGAGTCACGTACTGGCCAGGACAACAGCAGCCATGGCGATCCAGC[G>T]GTGGAAGTCCACTGCGGCATCAAAAGGCACATAGCGGTTGAGGAAAGTCTCTCGCAGGAA-3'
Protein context (NP_001350640.1, residues 1118-1138): VPFDAAVDFH[Arg1128Ser]WIAMAAVVLA

ClinVar aggregate classification (germline): Uncertain significance (1 of 4 stars; one submission).

gnomAD v4.1: 1 of 1,614,184 alleles (0.000062%); highest among the groups gnomAD compares: Non-Finnish European, 0.000085%; no homozygotes.

Submission:

Labcorp Genetics (formerly Invitae), Labcorp
Classification: Uncertain significance. Last evaluated: 2022-04-18. Review status: criteria provided, single submitter. Criteria: Invitae Variant Classification Sherloc (09022015). Collection method: clinical testing. Allele origin: germline.
Comment: This sequence change replaces arginine, which is basic and polar, with serine, which is neutral and polar, at codon 1128 of the DUOX2 protein (p.Arg1128Ser). This variant is not present in population databases (gnomAD no frequency). This variant has not been reported in the literature in individuals affected with DUOX2-related conditions. Advanced modeling of protein sequence and biophysical properties (such as structural, functional, and spatial information, amino acid conservation, physicochemical variation, residue mobility, and thermodynamic stability) performed at Invitae indicates that this missense variant is expected to disrupt DUOX2 protein function. In summary, the available evidence is currently insufficient to determine the role of this variant in disease. Therefore, it has been classified as a Variant of Uncertain Significance.